The following is an entry in ClinVar:

NM_000742.4(CHRNA2):c.685G>A (p.Gly229Ser)

Gene: CHRNA2 (cholinergic receptor nicotinic alpha 2 subunit; minus strand). Cytogenetic location: 8p21.2.
Variant type: single nucleotide variant.
Coding change: c.685G>A on transcript NM_000742.4 (MANE Select); coding-DNA position 685, G replaced by A.
Protein change: p.Gly229Ser; replaces glycine 229 with serine.
Molecular consequence: missense variant.
Genome position (GRCh38, 1-based): chr8:27,463,758, C>T on the plus strand (G>A on the coding strand, the complement: CHRNA2 is on the minus strand). VCF-style: chr8-27463758-C-T. GRCh37 (hg19) VCF-style: chr8-27321275-C-T.
Other names: c.640G>A, p.Gly214Ser (NM_001282455.2); c.208G>A, p.Gly70Ser (NM_001347705.2, NM_001347706.2); c.91G>A, p.Gly31Ser (NM_001347707.2, NM_001347708.2); short protein forms G214S, G229S, G31S, G70S.
Identifiers: ClinVar variation 1703892 (VCV001703892.4), dbSNP rs1299700179, ClinGen allele CA370811044.

ClinVar aggregate classification (germline): Conflicting classifications of pathogenicity. Review status: criteria provided, conflicting classifications (1 of 4 stars). 2 submissions from 2 submitters: Uncertain significance (1); Likely benign (1). Last evaluated 2024-09-16.

Conditions:
Familial sleep-related hypermotor epilepsy. Also called: Autosomal Dominant Sleep-Related Hypermotor (Hyperkinetic) Epilepsy. Identifiers: Orphanet 98784, MedGen C3696898, MONDO:0000030.

Allele frequency attached by ClinVar (database versions not stated): gnomAD exomes below 0.00001; TOPMed 0.00001.

Submissions (2):

Labcorp Genetics (formerly Invitae), Labcorp
Classification: Likely benign. Last evaluated: 2024-09-16. Review status: criteria provided, single submitter. Criteria: Invitae Variant Classification Sherloc (09022015). Collection method: clinical testing. Allele origin: germline.

GeneDx
Classification: Uncertain significance. Last evaluated: 2022-03-02. Review status: criteria provided, single submitter. Criteria: GeneDx Variant Classification Process June 2021. Collection method: clinical testing. Allele origin: germline. Affected: yes.
Comment: Not observed at significant frequency in large population cohorts (gnomAD); In silico analysis supports that this missense variant has a deleterious effect on protein structure/function; Has not been previously published as pathogenic or benign to our knowledge